The following is an entry in ClinVar:

NM_013339.4(ALG6):c.591A>G (p.Ile197Met)

Gene: ALG6 (ALG6 alpha-1,3-glucosyltransferase; plus strand). Cytogenetic location: 1p31.3.
Variant type: single nucleotide variant.
Coding change: c.591A>G on transcript NM_013339.4 (MANE Select); coding-DNA position 591, A replaced by G.
Protein change: p.Ile197Met; replaces isoleucine 197 with methionine.
Molecular consequence: missense variant.
Genome position (GRCh38, 1-based): chr1:63,411,242, A>G. VCF-style: chr1-63411242-A-G. GRCh37 (hg19) VCF-style: chr1-63876913-A-G.
Other names: c.591A>G (NM_013339.3); short protein forms I197M.
Identifiers: ClinVar variation 1049145 (VCV001049145.6), dbSNP rs753024606, ClinGen allele CA888205.

ClinVar aggregate classification (germline): Uncertain significance. Review status: criteria provided, multiple submitters, no conflicts (2 of 4 stars). 4 submissions from 4 submitters: Uncertain significance (3). 1 of the submissions does not count toward it. Last evaluated 2024-12-02.

Conditions:
Inborn genetic diseases. Identifiers: MedGen C0950123, MeSH D030342.
ALG6-congenital disorder of glycosylation 1C (CDG1C). Also called: CARBOHYDRATE-DEFICIENT GLYCOPROTEIN SYNDROME, TYPE I, WITH DEFICIENT GLYCOSYLATION OF DOLICHOL-LINKED OLIGOSACCHARIDE; CARBOHYDRATE-DEFICIENT GLYCOPROTEIN SYNDROME, TYPE V; CDG Ic; Congenital disorder of glycosylation type 1C; Congenital disorder of glycosylation, type Ic. Identifiers: Orphanet 79320, MedGen C2930997, MONDO:0011291, OMIM 603147.

Allele frequency attached by ClinVar (database versions not stated): gnomAD 0.00001; TOPMed 0.00001; gnomAD exomes 0.00003 and 0.00004; ExAC 0.00004.
gnomAD v4.1: 70 of 1,613,876 alleles (0.0043%); highest among the groups gnomAD compares: Middle Eastern, 0.016%; no homozygotes.

Submissions (4):

Labcorp Genetics (formerly Invitae), Labcorp
Classification: Uncertain significance for ALG6-congenital disorder of glycosylation 1C. Last evaluated: 2024-12-02. Review status: criteria provided, single submitter. Criteria: Invitae Variant Classification Sherloc (09022015). Collection method: clinical testing. Allele origin: germline.
Comment: This sequence change replaces isoleucine, which is neutral and non-polar, with methionine, which is neutral and non-polar, at codon 197 of the ALG6 protein (p.Ile197Met). This variant is present in population databases (rs753024606, gnomAD 0.02%). This variant has not been reported in the literature in individuals affected with ALG6-related conditions. ClinVar contains an entry for this variant (Variation ID: 1049145). Invitae Evidence Modeling of protein sequence and biophysical properties (such as structural, functional, and spatial information, amino acid conservation, physicochemical variation, residue mobility, and thermodynamic stability) indicates that this missense variant is not expected to disrupt ALG6 protein function with a negative predictive value of 95%. In summary, the available evidence is currently insufficient to determine the role of this variant in disease. Therefore, it has been classified as a Variant of Uncertain Significance.

Fulgent Genetics
Classification: Uncertain significance for ALG6-congenital disorder of glycosylation 1C. Last evaluated: 2021-11-12. Review status: criteria provided, single submitter. Criteria: ACMG Guidelines, 2015. Collection method: clinical testing. Allele origin: unknown.

Ambry Genetics
Classification: Uncertain significance for Inborn genetic diseases. Last evaluated: 2021-07-13. Review status: criteria provided, single submitter. Criteria: Ambry Variant Classification Scheme 2023. Collection method: clinical testing. Allele origin: germline.

Department of Pathology and Laboratory Medicine, Sinai Health System
Classification: Uncertain significance. Review status: no assertion criteria provided. Collection method: clinical testing. Allele origin: unknown. Affected: yes. Study: The Canadian Open Genetics Repository (COGR). Not counted in ClinVar's aggregate classification.
Comment: The ALG6 p.Ile197Met variant was not identified in the literature nor was it identified in ClinVar, Cosmic, or LOVD 3.0. The variant was identified in dbSNP (ID: rs753024606) and in control databases in 12 of 282734 chromosomes at a frequency of 0.000042 (Genome Aggregation Database Feb 27, 2017). The variant was observed in the following populations: Ashkenazi Jewish in 2 of 10368 chromosomes (freq: 0.000193), South Asian in 2 of 30614 chromosomes (freq: 0.000065) and European (non-Finnish) in 8 of 129088 chromosomes (freq: 0.000062); it was not observed in the African, Latino, East Asian, European (Finnish), and Other populations. The p.Ile197 residue is not conserved in mammals and four out of five computational analyses (PolyPhen-2, SIFT, AlignGVGD, BLOSUM, MutationTaster) do not suggest a high likelihood of impact to the protein; however, this information is not predictive enough to rule out pathogenicity. The variant occurs outside of the splicing consensus sequence and in silico or computational prediction software programs (SpliceSiteFinder, MaxEntScan, NNSPLICE, GeneSplicer) do not predict a difference in splicing. In summary, based on the above information the clinical significance of this variant cannot be determined with certainty at this time. This variant is classified as a variant of uncertain significance.